The following is an entry in ClinVar:

ClinVar aggregate classification (germline): Conflicting classifications of pathogenicity. Review status: criteria provided, conflicting classifications (1 of 4 stars). 10 submissions from 10 submitters: Uncertain significance (1); Benign (1); Likely benign (6). 2 of the submissions do not count toward it. Last evaluated 2026-03-01.

Conditions:
Inborn genetic diseases. Identifiers: MedGen C0950123, MeSH D030342.

Allele frequency attached by ClinVar (database versions not stated): 1000 Genomes Project 0.00140; ESP Exome Variant Server 0.00156; ExAC 0.00165; TOPMed 0.00170; gnomAD 0.00195 and 0.00196; gnomAD exomes 0.00226 and 0.00303.

Submissions (10):

CeGaT Center for Human Genetics Tuebingen
Classification: Likely benign. Last evaluated: 2026-03-01. Review status: criteria provided, single submitter. Criteria: CeGaT Center For Human Genetics Tuebingen Variant Classification Criteria Version 2. Collection method: clinical testing. Allele origin: germline. Affected: yes. Observed: 6 variant alleles.
Comment: HSPG2: BP4, BS2

Labcorp Genetics (formerly Invitae), Labcorp
Classification: Likely benign. Last evaluated: 2026-01-26. Review status: criteria provided, single submitter. Criteria: Invitae Variant Classification Sherloc (09022015). Collection method: clinical testing. Allele origin: germline.

Blueprint Genetics
Classification: Likely benign. Last evaluated: 2024-11-25. Review status: criteria provided, single submitter. Criteria: ACMG Guidelines, 2015. Collection method: clinical testing. Allele origin: germline.

Athena Diagnostics
Classification: Benign. Last evaluated: 2020-12-18. Review status: criteria provided, single submitter. Criteria: Athena Diagnostics criteria. Collection method: clinical testing. Allele origin: unknown.

Ambry Genetics
Classification: Uncertain significance for Inborn genetic diseases. Last evaluated: 2020-11-04. Review status: criteria provided, single submitter. Criteria: Ambry Variant Classification Scheme 2023. Collection method: clinical testing. Allele origin: germline.
Comment: The c.4627-3delT alteration is located 3 nucleotides before coding exon 36 of the HSPG2 gene. This alteration results from a deletion of nucleotide at nucleotide position c.4627-3. Based on data from the Genome Aggregation Database (gnomAD) database, the HSPG2 c.4627-3delT alteration was observed in 0.22% (422/188312) of total alleles studied, with a frequency of 0.52% (99/18868) in the European (Finnish) subpopulation. In silico splice site analysis predicts that this alteration will not have any significant effect on splicing. Based on insufficient or conflicting evidence, the clinical significance of this alteration remains unclear.

GeneDx
Classification: Likely benign. Last evaluated: 2020-04-29. Review status: criteria provided, single submitter. Criteria: GeneDx Variant Classification Process June 2021. Collection method: clinical testing. Allele origin: germline. Affected: yes.

ARUP Laboratories, Molecular Genetics and Genomics, ARUP Laboratories
Classification: Likely benign. Last evaluated: 2018-09-28. Review status: criteria provided, single submitter. Criteria: ARUP Molecular Germline Variant Investigation Process. Collection method: clinical testing. Allele origin: germline.

Eurofins Ntd Llc (ga)
Classification: Likely benign. Last evaluated: 2015-03-09. Review status: criteria provided, single submitter. Criteria: EGL Classification Definitions 2015. Collection method: clinical testing. Allele origin: germline. Observed: 1 variant allele, 1 heterozygote.

Genome Diagnostics Laboratory, University Medical Center Utrecht
Classification: Likely benign. Review status: no assertion criteria provided. Collection method: clinical testing. Allele origin: germline. Affected: yes. Study: VKGL Data-share Consensus. Not counted in ClinVar's aggregate classification.

Laboratory of Diagnostic Genome Analysis, Leiden University Medical Center (LUMC)
Classification: Likely benign. Review status: no assertion criteria provided. Collection method: clinical testing. Allele origin: germline. Affected: yes. Study: VKGL Data-share Consensus. Not counted in ClinVar's aggregate classification.

NM_005529.7(HSPG2):c.4627-3del

Gene: HSPG2 (heparan sulfate proteoglycan 2; minus strand). Cytogenetic location: 1p36.12.
Variant type: Deletion.
Coding change: c.4627-3del on transcript NM_005529.7 (MANE Select); 3 bases into the intron before coding-DNA position 4627, one base deleted (T; older notation c.4627-3delT).
Molecular consequence: intron variant.
Genome position (GRCh38, 1-based): chr1:21,864,216, A deleted on the plus strand (T on the coding strand, the reverse complement: HSPG2 is on the minus strand). VCF-style (leftmost placement, unchanged base first): chr1-21864215-TA-T. GRCh37 (hg19) VCF-style: chr1-22190708-TA-T.
Other names: c.4630-3del (NM_001291860.2); c.4627-3delT (NM_005529.6).
Identifiers: ClinVar variation 197010 (VCV000197010.55), dbSNP rs368983547, ClinGen allele CA202659.